The following is an entry in ClinVar:

NM_001130144.3(LTBP3):c.1846+7G>A

Gene: LTBP3 (latent transforming growth factor beta binding protein 3; minus strand). Cytogenetic location: 11q13.1.
Variant type: single nucleotide variant.
Coding change: c.1846+7G>A on transcript NM_001130144.3 (MANE Select); 7 bases into the intron after coding-DNA position 1846, G replaced by A.
Molecular consequence: intron variant.
Genome position (GRCh38, 1-based): chr11:65,547,913, C>T on the plus strand (G>A on the coding strand, the complement: LTBP3 is on the minus strand). VCF-style: chr11-65547913-C-T. GRCh37 (hg19) VCF-style: chr11-65315384-C-T.
Other names: p.?; c.1495+7G>A (NM_001164266.1); c.1846+7G>A (NM_021070.4, NM_001130144.2).
Identifiers: ClinVar variation 2073947 (VCV002073947.5), dbSNP rs371976916, ClinGen allele CA6100839.

ClinVar aggregate classification (germline): Likely benign. Review status: criteria provided, multiple submitters, no conflicts (2 of 4 stars). 2 submissions from 2 submitters: Likely benign (2). Last evaluated 2025-08-25.

Conditions:
Brachyolmia-amelogenesis imperfecta syndrome. Also called: PLATYSPONDYLY WITH AMELOGENESIS IMPERFECTA; Tooth agenesis, selective, 6; Dental anomalies and short stature. Identifiers: Orphanet 2899, MedGen C1832594, MONDO:0011018, OMIM 601216. Disease mechanism: loss of function.

gnomAD v4.1: 8 of 1,613,556 alleles (0.0005%); highest among the groups gnomAD compares: African/African-American, 0.008%; no homozygotes.

Submissions (2):

Labcorp Genetics (formerly Invitae), Labcorp
Classification: Likely benign for Brachyolmia-amelogenesis imperfecta syndrome. Last evaluated: 2025-08-25. Review status: criteria provided, single submitter. Criteria: Invitae Variant Classification Sherloc (09022015). Collection method: clinical testing. Allele origin: germline.

Mayo Clinic Laboratories, Mayo Clinic
Classification: Likely benign. Last evaluated: 2025-03-20. Review status: criteria provided, single submitter. Criteria: ACMG Guidelines, 2015. Collection method: clinical testing. Allele origin: germline. Observed: 1 variant allele.
Comment: BP4, BP7